The following is an entry in ClinVar:

NM_004612.4(TGFBR1):c.1087G>A (p.Asp363Asn)

Gene: TGFBR1 (transforming growth factor beta receptor 1; plus strand). Cytogenetic location: 9q22.33.
Variant type: single nucleotide variant.
Coding change: c.1087G>A on transcript NM_004612.4 (MANE Select); coding-DNA position 1087, G replaced by A.
Protein change: p.Asp363Asn; replaces aspartic acid 363 with asparagine.
Molecular consequence: missense variant.
Genome position (GRCh38, 1-based): chr9:99,144,845, G>A. VCF-style: chr9-99144845-G-A. GRCh37 (hg19) VCF-style: chr9-101907127-G-A.
Other names: c.856G>A, p.Asp286Asn (NM_001130916.3); c.1099G>A, p.Asp367Asn (NM_001306210.2); short protein forms D286N, D363N, D367N.
Identifiers: ClinVar variation 1310729 (VCV001310729.2), dbSNP rs2118806314, ClinGen allele CA374231583.

ClinVar aggregate classification (germline): Uncertain significance (1 of 4 stars; one submission).

Submission:

GeneDx
Classification: Uncertain significance. Last evaluated: 2019-12-02. Review status: criteria provided, single submitter. Criteria: GeneDx Variant Classification Process June 2021. Collection method: clinical testing. Allele origin: germline. Affected: yes.
Comment: Has not been previously published as pathogenic or benign to our knowledge; Not observed in large population cohorts (Lek et al., 2016); In silico analysis, which includes protein predictors and evolutionary conservation, supports that this variant does not alter protein structure/function